The following is an entry in ClinVar:

ClinVar aggregate classification (germline): Pathogenic (1 of 4 stars; one submission).

Conditions:
Xeroderma pigmentosum (XP). Identifiers: Orphanet 910, MedGen C0043346, MONDO:0019600.

Submission:

Women's Health and Genetics/Laboratory Corporation of America, LabCorp
Classification: Pathogenic for Xeroderma pigmentosum. Last evaluated: 2025-03-18. Review status: criteria provided, single submitter. Criteria: LabCorp Variant Classification Summary - May 2015. Collection method: clinical testing. Allele origin: germline.
Comment: Variant summary: XPC c.290delA (p.Asp97ValfsX16) results in a premature termination codon, predicted to cause a truncation of the encoded protein or absence of the protein due to nonsense mediated decay, which are commonly known mechanisms for disease. The variant was absent in 249026 control chromosomes. To our knowledge, no occurrence of c.290delA in individuals affected with Xeroderma Pigmentosum and no experimental evidence demonstrating its impact on protein function have been reported. No submitters have cited clinical-significance assessments for this variant to ClinVar. Based on the evidence outlined above, the variant was classified as pathogenic.

NM_004628.5(XPC):c.290del (p.Asp97fs)

Gene: XPC (XPC complex subunit, DNA damage recognition and repair factor; minus strand). Cytogenetic location: 3p25.1.
Variant type: Deletion.
Coding change: c.290del on transcript NM_004628.5 (MANE Select); coding-DNA position 290, one base deleted (A; older notation c.290delA).
Protein change: p.Asp97fs; shifts the reading frame from aspartic acid 97.
Molecular consequence: frameshift variant. On other transcripts: 5 prime UTR variant (1), non-coding transcript variant (2).
Genome position (GRCh38, 1-based): chr3:14,172,876, T deleted on the plus strand (A on the coding strand, the reverse complement: XPC is on the minus strand). VCF-style (leftmost placement, unchanged base first): chr3-14172875-AT-A. GRCh37 (hg19) VCF-style: chr3-14214375-AT-A.
Other names: c.-166del (NM_001354726.2); c.290del, p.Asp97fs (NM_001354727.2, NM_001354730.2); c.272del, p.Asp91fs (NM_001354729.2); c.290delA (NM_004628.5); short protein forms D91fs, D97fs.
Identifiers: ClinVar variation 3895566 (VCV003895566.1).